The following is an entry in ClinVar:

ClinVar aggregate classification (germline): Uncertain significance (1 of 4 stars; one submission).

Conditions:
Inborn genetic diseases. Identifiers: MedGen C0950123, MeSH D030342.

gnomAD v4.1: 1 of 1,588,136 alleles (0.000063%); highest among the groups gnomAD compares: Non-Finnish European, 0.000086%; no homozygotes.

Submission:

Ambry Genetics
Classification: Uncertain significance for Inborn genetic diseases. Last evaluated: 2022-07-05. Review status: criteria provided, single submitter. Criteria: Ambry Variant Classification Scheme 2023. Collection method: clinical testing. Allele origin: germline.
Comment: The p.P6L variant (also known as c.17C>T), located in coding exon 1 of the MPZ gene, results from a C to T substitution at nucleotide position 17. The proline at codon 6 is replaced by leucine, an amino acid with similar properties. This amino acid position is conserved. In addition, the in silico prediction for this alteration is inconclusive. Since supporting evidence is limited at this time, the clinical significance of this alteration remains unclear.

NM_000530.8(MPZ):c.17C>T (p.Pro6Leu)

Gene: MPZ (myelin protein zero; minus strand). Cytogenetic location: 1q23.3.
Variant type: single nucleotide variant.
Coding change: c.17C>T on transcript NM_000530.8 (MANE Select); coding-DNA position 17, C replaced by T.
Protein change: p.Pro6Leu; replaces proline 6 with leucine.
Molecular consequence: missense variant.
Genome position (GRCh38, 1-based): chr1:161,309,889, G>A on the plus strand (C>T on the coding strand, the complement: MPZ is on the minus strand). VCF-style: chr1-161309889-G-A. GRCh37 (hg19) VCF-style: chr1-161279679-G-A.
Other names: c.17C>T, p.Pro6Leu (NM_001315491.2); short protein forms P6L.
Identifiers: ClinVar variation 1780362 (VCV001780362.2), dbSNP rs1484036604, ClinGen allele CA343353224.